The following is an entry in ClinVar:

NM_004425.4(ECM1):c.777C>T (p.Cys259=)

Gene: ECM1 (extracellular matrix protein 1; plus strand). Cytogenetic location: 1q21.2.
Variant type: single nucleotide variant.
Coding change: c.777C>T on transcript NM_004425.4 (MANE Select); coding-DNA position 777, C replaced by T.
Protein change: p.Cys259=; no amino-acid change (cysteine 259 retained).
Molecular consequence: synonymous variant. On other transcripts: intron variant (1).
Genome position (GRCh38, 1-based): chr1:150,511,525, C>T. VCF-style: chr1-150511525-C-T. GRCh37 (hg19) VCF-style: chr1-150484001-C-T.
Other names: c.858C>T, p.Cys286= (NM_001202858.2); c.708+327C>T (NM_022664.3).
Identifiers: ClinVar variation 2639162 (VCV002639162.24), dbSNP rs144641352, ClinGen allele CA1077545.

ClinVar aggregate classification (germline): Likely benign (1 of 4 stars; one submission).

Allele frequency attached by ClinVar (database versions not stated): gnomAD 0.00001; TOPMed 0.00001; gnomAD exomes 0.00002; ExAC 0.00003; ESP Exome Variant Server 0.00023.

Submission:

CeGaT Center for Human Genetics Tuebingen
Classification: Likely benign. Last evaluated: 2023-01-01. Review status: criteria provided, single submitter. Criteria: CeGaT Center For Human Genetics Tuebingen Variant Classification Criteria Version 2. Collection method: clinical testing. Allele origin: germline. Affected: yes. Observed: 1 variant allele.
Comment: ECM1: BP4, BP7